The following is an entry in ClinVar:

ClinVar aggregate classification (germline): Pathogenic (1 of 4 stars; one submission).

Conditions:
Primary ciliary dyskinesia 28. Also called: CILIARY DYSKINESIA, PRIMARY, 28, WITH OR WITHOUT SITUS INVERSUS. Identifiers: Orphanet 244, MedGen C3809706, MONDO:0014216, OMIM 615505.

Allele frequency attached by ClinVar (database versions not stated): TOPMed 0.00002.

Submission:

Labcorp Genetics (formerly Invitae), Labcorp
Classification: Pathogenic for Primary ciliary dyskinesia 28. Last evaluated: 2022-07-26. Review status: criteria provided, single submitter. Criteria: Invitae Variant Classification Sherloc (09022015). Collection method: clinical testing. Allele origin: germline.
Comment: This sequence change creates a premature translational stop signal (p.Val734Leufs*27) in the SPAG1 gene. It is expected to result in an absent or disrupted protein product. Loss-of-function variants in SPAG1 are known to be pathogenic (PMID: 24055112). This variant is not present in population databases (gnomAD no frequency). This variant has not been reported in the literature in individuals affected with SPAG1-related conditions. ClinVar contains an entry for this variant (Variation ID: 1076825). Algorithms developed to predict the effect of sequence changes on RNA splicing suggest that this variant may disrupt the consensus splice site. For these reasons, this variant has been classified as Pathogenic.

Literature cited by the submitters: PubMed 24055112.

NM_003114.5(SPAG1):c.2200_2203del (p.Val734fs)

Gene: SPAG1 (sperm associated antigen 1; plus strand). Cytogenetic location: 8q22.2.
Variant type: Deletion.
Coding change: c.2200_2203del on transcript NM_003114.5 (MANE Select); coding-DNA positions 2200 to 2203, 4 bases deleted (GTAA; older notation c.2200_2203delGTAA).
Protein change: p.Val734fs; shifts the reading frame from valine 734.
Molecular consequence: frameshift variant.
Genome position (GRCh38, 1-based): chr8:100,239,324-100,239,327, GTAA deleted. VCF-style (leftmost placement, unchanged base first): chr8-100239323-GGTAA-G. GRCh37 (hg19) VCF-style: chr8-101251551-GGTAA-G.
Other names: c.2200_2203del, p.Val734fs (NM_001374321.1, NM_172218.3); short protein forms V734fs.
Identifiers: ClinVar variation 1076825 (VCV001076825.8), dbSNP rs1819149009, ClinGen allele CA2497235903.
Genomic context (GRCh38, chr8:100,239,323, plus strand): 5'-TCTCAATAAAGTTATCCTACTAGATCCAAGTATTATTGAGGCAAAGATGGAACTGGAAGA[GGTAA>G]CTAGACTCCTTAATCTTAAGGATAAGACAGCACCATTCAACAAAGAAAAGGAGAGAAGGA-3'